The following is an entry in ClinVar:

ClinVar aggregate classification (germline): Pathogenic/Likely pathogenic. Review status: criteria provided, multiple submitters, no conflicts (2 of 4 stars). 5 submissions from 5 submitters: Pathogenic (3); Likely pathogenic (1). 1 of the submissions does not count toward it. Last evaluated 2026-02-23.

Conditions:
Mucopolysaccharidosis, MPS-II (MPS2). Also called: IDS deficiency; Sulfoiduronate sulfatase deficiency; SIDS deficiency; Mucopolysaccharidosis with skin involvement; Attenuated MPS (subtype; formerly known as mild MPS II); Severe MPS II. Identifiers: Orphanet 580, Orphanet 79388, MedGen C0026705, MONDO:0010674, OMIM 309900.

Submissions (5):

GeneDx
Classification: Pathogenic. Last evaluated: 2026-02-23. Review status: criteria provided, single submitter. Criteria: GeneDx Variant Classification Process June 2021. Collection method: clinical testing. Allele origin: germline.
Comment: Not observed at significant frequency in large population cohorts (gnomAD); In silico analysis supports that this missense variant has a deleterious effect on protein structure/function; This variant is associated with the following publications: (PMID: 9762601, 39617925, 27695081, 34830113, 39177874, 27146977, 35144014, 24125893, 30639582, 36945845, 12572848, 19167723)

Victorian Clinical Genetics Services, Murdoch Childrens Research Institute
Classification: Pathogenic for Mucopolysaccharidosis, MPS-II. Last evaluated: 2025-09-08. Review status: criteria provided, single submitter. Criteria: ACMG Guidelines, 2015. Collection method: clinical testing. Allele origin: germline. Affected: yes.
Comment: This variant is classified as Pathogenic. Evidence in support of pathogenic classification: Variant is absent from gnomAD (v2, v3 and v4); This variant has strong previous evidence of pathogenicity in unrelated individuals. This variant has been classified as pathogenic in ClinVar and has been reported in multiple individuals in the literature with variable severity of mucopolysaccharidosis II ranging from attenuated to severe (PMIDs: 30639582, 27146977, 24125893, 9762601, 36945845, 35144014, 19167723); This variant has moderate functional evidence supporting abnormal protein function. IDS enzyme activity was decreased in an individual who was shown to be hemizygous for this variant (PMID: 27146977); Another missense variant comparable to the one identified in this case has moderate previous evidence for pathogenicity. An alternative change, p.(Pro231Arg), has been classified as likely pathogenic or pathogenic by clinical laboratories in ClinVar; Missense variant predicted to be damaging by in silico tool(s) or highly conserved with a major amino acid change. Additional information: Variant is predicted to result in a missense amino acid change from Pro to Leu; This variant is hemizygous; This gene is associated with X-linked disease. Heterozygous females can be asymptomatic or affected similarly to hemizygous males, usually due to skewed X inactivation (PMID: 23232253); Alternative amino acid change(s) at the same position are present in gnomAD (Highest allele count: v4: 1 heterozygote(s), 0 homozygote(s), 0 hemizygote(s)); No published evidence of segregation with disease has been identified for this variant; Variant is located in the annotated sulfatase domain (DECIPHER); Loss of function is a known mechanism of disease in this gene and is associated with mucopolysaccharidosis II (MIM#309900).

Labcorp Genetics (formerly Invitae), Labcorp
Classification: Pathogenic for Mucopolysaccharidosis, MPS-II. Last evaluated: 2024-12-19. Review status: criteria provided, single submitter. Criteria: Invitae Variant Classification Sherloc (09022015). Collection method: clinical testing. Allele origin: germline.
Comment: This sequence change replaces proline, which is neutral and non-polar, with leucine, which is neutral and non-polar, at codon 231 of the IDS protein (p.Pro231Leu). This variant is not present in population databases (gnomAD no frequency). This missense change has been observed in individual(s) with mucopolysaccharidosis II (PMID: 9762601, 12572848, 27146977, 30639582). ClinVar contains an entry for this variant (Variation ID: 1065825). Invitae Evidence Modeling of protein sequence and biophysical properties (such as structural, functional, and spatial information, amino acid conservation, physicochemical variation, residue mobility, and thermodynamic stability) indicates that this missense variant is expected to disrupt IDS protein function with a positive predictive value of 80%. For these reasons, this variant has been classified as Pathogenic.

Laboratory of Diagnosis and Therapy of Lysosomal Disorders, University of Padova
Classification: Likely pathogenic for Mucopolysaccharidosis, MPS-II. Last evaluated: 2024-06-07. Review status: criteria provided, single submitter. Criteria: ACMG Guidelines, 2015. Collection method: literature only. Allele origin: germline. Affected: yes. Observed: 7 variant alleles.
Comment: Prevalence of the variant significantly increased in affected individuals compared with controls (PS4_Supporting), Absent from controls (or at low frequency) in gnomAD database (PM2_Moderate), Missense variant in a gene with a low rate of benign missense variation (PP2_Supporting), Multiple lines of computational evidence support a deleterious effect (PP3_Supporting), Patient’s phenotype or family history highly specific for the disease (PP4_Moderate)

Classification method: ACMG Guidelines [PMID:25741868] with modifications

Division of Medical Genetics, Department of Pediatrics, All India Institute of Medical Sciences, New Delhi
Classification: Affects for Mucopolysaccharidosis, MPS-II. Last evaluated: 2014-04-03. Review status: no assertion criteria provided. Collection method: research. Allele origin: germline. Inheritance: X-linked recessive inheritance. Affected: yes. Observed: 1 variant allele, 1 hemizygote. Not counted in ClinVar's aggregate classification.
Comment: The change c.692C>T, (p.P231L) was found to be a missense variant, where the cyclic nonpolar neutral amino acid Proline at 231 position was substituted by aliphatic nonpolar neutral amino acid Leucine.

Literature cited by the submitters: PubMed 24125893 (cited by Victorian Clinical Genetics Services, Murdoch Childrens Research Institute and Laboratory of Diagnosis and Therapy of Lysosomal Disorders, University of Padova); PubMed 30639582 (cited by 3 submitters); PubMed 19167723 (cited by Victorian Clinical Genetics Services, Murdoch Childrens Research Institute); PubMed 23232253 (cited by Victorian Clinical Genetics Services, Murdoch Childrens Research Institute); PubMed 36945845 (cited by Victorian Clinical Genetics Services, Murdoch Childrens Research Institute and Laboratory of Diagnosis and Therapy of Lysosomal Disorders, University of Padova); PubMed 35144014 (cited by Victorian Clinical Genetics Services, Murdoch Childrens Research Institute); PubMed 9762601 (cited by 3 submitters); PubMed 27146977 (cited by 3 submitters); PubMed 12572848 (cited by Labcorp Genetics (formerly Invitae), Labcorp); PubMed 33960103 (cited by Laboratory of Diagnosis and Therapy of Lysosomal Disorders, University of Padova).

NM_000202.8(IDS):c.692C>T (p.Pro231Leu)

Genes: IDS (iduronate 2-sulfatase; minus strand), LOC106050102 (IDS recombination region; plus strand). Cytogenetic location: Xq28.
Variant type: single nucleotide variant.
Coding change: c.692C>T on transcript NM_000202.8 (MANE Select); coding-DNA position 692, C replaced by T.
Protein change: p.Pro231Leu; replaces proline 231 with leucine.
Molecular consequence: missense variant. On other transcripts: non-coding transcript variant (1).
Genome position (GRCh38, 1-based): chrX:149,498,123, G>A on the plus strand (C>T on the coding strand, the complement: IDS is on the minus strand). VCF-style: chrX-149498123-G-A. GRCh37 (hg19) VCF-style: chrX-148579654-G-A.
Other names: c.422C>T, p.Pro141Leu (NM_001166550.4); c.692C>T, p.Pro231Leu (NM_006123.5); c.692C>T (NM_000202.4); short protein forms P141L, P231L.
Identifiers: ClinVar variation 1065825 (VCV001065825.12), dbSNP rs2089450305, ClinGen allele CA414522161.
Genomic context (GRCh38, chrX:149,498,123, plus strand): 5'-AGCTGTCACAGCTGTGCTGGATCAGCCCTCAACCAGCTCTTCACCTTGGGGTATCTGAAG[G>A]GGATGTGTGGCTTATGATACCCAACGGCCAGGAAGAAAGGACTGGCTGACGTTTTCATCT-3'
Protein context (NP_000193.1, residues 221-241): LAVGYHKPHI[Pro231Leu]FRYPKEFQKL